The following is an entry in ClinVar:

ClinVar aggregate classification (germline): Uncertain significance (1 of 4 stars; one submission).

Conditions:
Arginase deficiency. Also called: Arginase 1 Deficiency; ARGININEMIA; ARG1 DEFICIENCY. Identifiers: Orphanet 90, MedGen C0268548, MONDO:0008814, OMIM 207800.

Submission:

Labcorp Genetics (formerly Invitae), Labcorp
Classification: Uncertain significance for Arginase deficiency. Last evaluated: 2022-11-14. Review status: criteria provided, single submitter. Criteria: Invitae Variant Classification Sherloc (09022015). Collection method: clinical testing. Allele origin: germline.
Comment: In summary, the available evidence is currently insufficient to determine the role of this variant in disease. Therefore, it has been classified as a Variant of Uncertain Significance. This sequence change replaces tyrosine, which is neutral and polar, with histidine, which is basic and polar, at codon 254 of the ARG1 protein (p.Tyr254His). This variant is not present in population databases (gnomAD no frequency). This missense change has been observed in individual(s) with clinical features of arginase deficiency (Invitae). Algorithms developed to predict the effect of missense changes on protein structure and function output the following: SIFT: "Deleterious"; PolyPhen-2: "Benign"; Align-GVGD: "Class C0". The histidine amino acid residue is found in multiple mammalian species, which suggests that this missense change does not adversely affect protein function.

NM_000045.4(ARG1):c.760T>C (p.Tyr254His)

Genes: ARG1 (arginase 1; plus strand), MED23 (mediator complex subunit 23; minus strand). Cytogenetic location: 6q23.2.
Variant type: single nucleotide variant.
Coding change: c.760T>C on transcript NM_000045.4 (MANE Select); coding-DNA position 760, T replaced by C.
Protein change: p.Tyr254His; replaces tyrosine 254 with histidine.
Molecular consequence: missense variant. On other transcripts: non-coding transcript variant (1), intron variant (2).
Genome position (GRCh38, 1-based): chr6:131,583,449, T>C. VCF-style: chr6-131583449-T-C. GRCh37 (hg19) VCF-style: chr6-131904589-T-C.
Other names: c.784T>C, p.Tyr262His (NM_001244438.2); c.505T>C, p.Tyr169His (NM_001369020.1); c.4077+4260A>G (NM_001270521.2); c.4095+4260A>G (NM_015979.4); short protein forms Y169H, Y254H, Y262H.
Identifiers: ClinVar variation 2911121 (VCV002911121.3), dbSNP rs2482387390, ClinGen allele CA365653097.